The following is an entry in ClinVar:

NM_017999.5(RNF31):c.1388G>A (p.Arg463Gln)

Gene: RNF31 (ring finger protein 31; plus strand). Cytogenetic location: 14q12.
Variant type: single nucleotide variant.
Coding change: c.1388G>A on transcript NM_017999.5 (MANE Select); coding-DNA position 1388, G replaced by A.
Protein change: p.Arg463Gln; replaces arginine 463 with glutamine.
Molecular consequence: missense variant.
Genome position (GRCh38, 1-based): chr14:24,150,788, G>A. VCF-style: chr14-24150788-G-A. GRCh37 (hg19) VCF-style: chr14-24619997-G-A.
Other names: c.935G>A, p.Arg312Gln (NM_001310332.2); short protein forms R463Q, R312Q.
Identifiers: ClinVar variation 1938132 (VCV001938132.5), dbSNP rs762748637, ClinGen allele CA7125756.
Genomic context (GRCh38, chr14:24,150,788, plus strand): 5'-ATGCCCCCCGGCCCTATGCCAGCTCTTTGGAAAAGGGACCCCCCAAGCCTGGGCCCCCAC[G>A]ACGCCTTAGTGCCCCCCTGCCCAGTTCCTGTGGAGATCCTGAGAAGCAGCGCCAAGACAA-3'
Protein context (NP_060469.4, residues 453-473): EKGPPKPGPP[Arg463Gln]RLSAPLPSSC

ClinVar aggregate classification (germline): Uncertain significance (1 of 4 stars; one submission).

Allele frequency attached by ClinVar (database versions not stated): gnomAD 0.00001; gnomAD exomes 0.00001; TOPMed 0.00001; ExAC 0.00002.
gnomAD v4.1: 10 of 1,607,984 alleles (0.00062%); highest among the groups gnomAD compares: East Asian, 0.0045%; no homozygotes.

Submission:

Labcorp Genetics (formerly Invitae), Labcorp
Classification: Uncertain significance. Last evaluated: 2022-10-25. Review status: criteria provided, single submitter. Criteria: Invitae Variant Classification Sherloc (09022015). Collection method: clinical testing. Allele origin: germline.
Comment: This sequence change replaces arginine, which is basic and polar, with glutamine, which is neutral and polar, at codon 463 of the RNF31 protein (p.Arg463Gln). This variant is present in population databases (rs762748637, gnomAD 0.007%). This variant has not been reported in the literature in individuals affected with RNF31-related conditions. Algorithms developed to predict the effect of missense changes on protein structure and function output the following: SIFT: "Tolerated"; PolyPhen-2: "Benign"; Align-GVGD: "Class C0". The glutamine amino acid residue is found in multiple mammalian species, which suggests that this missense change does not adversely affect protein function. In summary, the available evidence is currently insufficient to determine the role of this variant in disease. Therefore, it has been classified as a Variant of Uncertain Significance.